The following is an entry in ClinVar:

NM_170606.3(KMT2C):c.6454G>A (p.Ala2152Thr)

Gene: KMT2C (lysine methyltransferase 2C; minus strand). Cytogenetic location: 7q36.1.
Variant type: single nucleotide variant.
Coding change: c.6454G>A on transcript NM_170606.3 (MANE Select); coding-DNA position 6454, G replaced by A.
Protein change: p.Ala2152Thr; replaces alanine 2152 with threonine.
Molecular consequence: missense variant.
Genome position (GRCh38, 1-based): chr7:152,181,406, C>T on the plus strand (G>A on the coding strand, the complement: KMT2C is on the minus strand). VCF-style: chr7-152181406-C-T. GRCh37 (hg19) VCF-style: chr7-151878491-C-T.
Other names: short protein forms A2152T.
Identifiers: ClinVar variation 3613105 (VCV003613105.2).
Genomic context (GRCh38, chr7:152,181,406, plus strand): 5'-CAACAGTAGTAGGCCGGGGAGTTCCAGGAGGTTGAGAGTAAGGGTCTGTATTGGACCTAG[C>T]TGTTCCTGAAGATTGGGAATAAGAATCTACAACAGGTCGTGGAGTTCCTGGGGGTTGGGA-3'
Protein context (NP_733751.2, residues 2142-2162): VDSYSQSSGT[Ala2152Thr]RSNTDPYSQP

ClinVar aggregate classification (germline): Uncertain significance (1 of 4 stars; one submission).

gnomAD v4.1: 1 of 1,613,924 alleles (0.000062%); highest among the groups gnomAD compares: Non-Finnish European, 0.000085%; no homozygotes.

Submission:

Labcorp Genetics (formerly Invitae), Labcorp
Classification: Uncertain significance. Last evaluated: 2025-04-09. Review status: criteria provided, single submitter. Criteria: Invitae Variant Classification Sherloc (09022015). Collection method: clinical testing. Allele origin: germline.
Comment: This sequence change replaces alanine, which is neutral and non-polar, with threonine, which is neutral and polar, at codon 2152 of the KMT2C protein (p.Ala2152Thr). This variant is not present in population databases (gnomAD no frequency). This variant has not been reported in the literature in individuals affected with KMT2C-related conditions. ClinVar contains an entry for this variant (Variation ID: 3613105). An algorithm developed to predict the effect of missense changes on protein structure and function outputs the following: PolyPhen-2: "Benign". The threonine amino acid residue is found in multiple mammalian species, which suggests that this missense change does not adversely affect protein function. In summary, the available evidence is currently insufficient to determine the role of this variant in disease. Therefore, it has been classified as a Variant of Uncertain Significance.